The following is an entry in ClinVar:

ClinVar aggregate classification (germline): Benign/Likely benign. Review status: criteria provided, multiple submitters, no conflicts (2 of 4 stars). 3 submissions from 2 submitters: Benign (1); Likely benign (2). Last evaluated 2025-05-25.

Conditions:
Waardenburg syndrome type 2A (WS2A). Also called: WAARDENBURG SYNDROME WITHOUT DYSTOPIA CANTHORUM. Identifiers: Orphanet 3440, MedGen C1860339, MONDO:0008671, OMIM 193510.
Tietz syndrome (TADS). Also called: ALBINISM-DEAFNESS OF TIETZ; HYPOPIGMENTATION/DEAFNESS OF TIETZ; TIETZ ALBINISM-DEAFNESS SYNDROME. Identifiers: Orphanet 42665, MedGen C0391816, MONDO:0007077, OMIM 103500.
Melanoma, cutaneous malignant, susceptibility to, 8. Also called: MELANOMA AND RENAL CELL CARCINOMA, SUSCEPTIBILITY TO; Cutaneous malignant melanoma 8. Identifiers: Orphanet 293822, MedGen C3152204, MONDO:0013759, OMIM 614456.

Allele frequency attached by ClinVar (database versions not stated): gnomAD exomes 0.00001 and 0.00003; TOPMed 0.00001; ExAC 0.00002; gnomAD 0.00002 and 0.00003; 1000 Genomes Project 30x 0.00031; 1000 Genomes Project 0.00040.
gnomAD v4.1: 24 of 1,613,874 alleles (0.0015%); highest among the groups gnomAD compares: South Asian, 0.019%; no homozygotes.

Submissions (3):

Labcorp Genetics (formerly Invitae), Labcorp
Classification: Likely benign for Melanoma, cutaneous malignant, susceptibility to, 8; Waardenburg syndrome type 2A; Tietz syndrome. Last evaluated: 2025-05-25. Review status: criteria provided, single submitter. Criteria: Invitae Variant Classification Sherloc (09022015). Collection method: clinical testing. Allele origin: germline.

Illumina Laboratory Services, Illumina
Classification: Benign for Tietz syndrome. Last evaluated: 2018-01-13. Review status: criteria provided, single submitter. Criteria: ICSL Variant Classification Criteria 13 December 2019. Collection method: clinical testing. Allele origin: germline.
Comment: This variant was observed in the ICSL laboratory as part of a predisposition screen in an ostensibly healthy population. It had not been previously curated by ICSL or reported in the Human Gene Mutation Database (HGMD: prior to June 1st, 2018), and was therefore a candidate for classification through an automated scoring system. Utilizing variant allele frequency, disease prevalence and penetrance estimates, and inheritance mode, an automated score was calculated to assess if this variant is too frequent to cause the disease. Based on the score and internal cut-off values, a variant classified as benign is not then subjected to further curation. The score for this variant resulted in a classification of benign for this disease.

Illumina Laboratory Services, Illumina
Classification: Likely benign for Waardenburg syndrome type 2A. Last evaluated: 2018-01-13. Review status: criteria provided, single submitter. Criteria: ICSL Variant Classification Criteria 13 December 2019. Collection method: clinical testing. Allele origin: germline.
Comment: This variant was observed in the ICSL laboratory as part of a predisposition screen in an ostensibly healthy population. It had not been previously curated by ICSL or reported in the Human Gene Mutation Database (HGMD: prior to June 1st, 2018), and was therefore a candidate for classification through an automated scoring system. Utilizing variant allele frequency, disease prevalence and penetrance estimates, and inheritance mode, an automated score was calculated to assess if this variant is too frequent to cause the disease. Based on the score and internal cut-off values, a variant classified as likely benign is not then subjected to further curation. The score for this variant resulted in a classification of likely benign for this disease.

NM_001354604.2(MITF):c.1180-11T>C

Gene: MITF (melanocyte inducing transcription factor; plus strand). Cytogenetic location: 3p13.
Variant type: single nucleotide variant.
Coding change: c.1180-11T>C on transcript NM_001354604.2 (MANE Select); 11 bases into the intron before coding-DNA position 1180, T replaced by C.
Molecular consequence: intron variant.
Genome position (GRCh38, 1-based): chr3:69,964,836, T>C. VCF-style: chr3-69964836-T-C. GRCh37 (hg19) VCF-style: chr3-70013987-T-C.
Other names: c.1111-11T>C (NM_001354607.2); c.1006-11T>C (NM_001354608.2, NM_001184967.2); c.1162-11T>C (NM_198159.3); c.1177-11T>C (NM_001354605.2); c.1159-11T>C (NM_001354606.2, NM_006722.3); c.1114-11T>C (NM_198177.3); c.859-11T>C (NM_000248.4); c.841-11T>C (NM_198158.3); and 1 more.
Identifiers: ClinVar variation 902966 (VCV000902966.8), dbSNP rs538450872, ClinGen allele CA2490615.